The following is an entry in ClinVar:

ClinVar aggregate classification (germline): Benign. Review status: criteria provided, multiple submitters, no conflicts (2 of 4 stars). 5 submissions from 5 submitters: Benign (5). Last evaluated 2024-07-31.

Allele frequency attached by ClinVar (database versions not stated): 1000 Genomes Project 30x 0.22361; 1000 Genomes Project 0.22963; TOPMed 0.24933; ESP Exome Variant Server 0.25273; gnomAD 0.25759 and 0.26027; gnomAD exomes 0.29015 and 0.30603; ExAC 0.29080.
gnomAD v4.1: 484,863 of 1,610,050 alleles (30%); highest among the groups gnomAD compares: East Asian, 38%; 75,182 homozygotes.

Submissions (5):

Unidad de Genómica Garrahan, Hospital de Pediatría Garrahan
Classification: Benign. Last evaluated: 2024-07-31. Review status: criteria provided, single submitter. Criteria: ACMG Guidelines, 2015. Collection method: clinical testing. Allele origin: germline. Affected: no. Observed: 40 variant alleles.
Comment: This variant is classified as Benign based on local population frequency. This variant was detected in 43% of patients studied in a panel designed for Epileptic and Developmental Encephalopathy, Progressive Myoclonus Epilepsy and Abnormal Movements and Neurodegeneration with brain iron accumulation. Number of patients: 40. Only high quality variants are reported.

GeneDx
Classification: Benign. Last evaluated: 2018-06-18. Review status: criteria provided, single submitter. Criteria: GeneDx Variant Classification (06012015). Collection method: clinical testing. Allele origin: germline. Affected: yes.
Comment: This variant is considered likely benign or benign based on one or more of the following criteria: it is a conservative change, it occurs at a poorly conserved position in the protein, it is predicted to be benign by multiple in silico algorithms, and/or has population frequency not consistent with disease.

Eurofins Ntd Llc (ga)
Classification: Benign. Last evaluated: 2012-11-02. Review status: criteria provided, single submitter. Criteria: EGL Classification Definitions 2015. Collection method: clinical testing. Allele origin: germline. Observed: 23 variant alleles, 21 heterozygotes, 2 homozygotes.

Breakthrough Genomics
Classification: Benign. Review status: criteria provided, single submitter. Criteria: ACMG Guidelines, 2015. Collection method: not provided. Allele origin: germline. Inheritance: Autosomal recessive inheritance. Affected: yes.

PreventionGenetics, part of Exact Sciences
Classification: Benign. Review status: criteria provided, single submitter. Criteria: ACMG Guidelines, 2015. Collection method: clinical testing. Allele origin: germline.

NM_004369.4(COL6A3):c.9494-26C>T

Genes: COL6A3 (collagen type VI alpha 3 chain; minus strand), LOC126806573 (CDK7 strongly-dependent group 2 enhancer GRCh37_chr2:238233151-238234350; plus strand). Cytogenetic location: 2q37.3.
Variant type: single nucleotide variant.
Coding change: c.9494-26C>T on transcript NM_004369.4 (MANE Select); 26 bases into the intron before coding-DNA position 9494, C replaced by T.
Molecular consequence: intron variant.
Genome position (GRCh38, 1-based): chr2:237,324,840, G>A on the plus strand (C>T on the coding strand, the complement: COL6A3 is on the minus strand). VCF-style: chr2-237324840-G-A. GRCh37 (hg19) VCF-style: chr2-238233483-G-A.
Other names: c.7673-26C>T (NM_057166.5); c.8876-26C>T (NM_057167.4).
Identifiers: ClinVar variation 95022 (VCV000095022.8), dbSNP rs13032404, ClinGen allele CA148107.